The following is an entry in ClinVar:

ClinVar aggregate classification (germline): Benign/Likely benign. Review status: criteria provided, multiple submitters, no conflicts (2 of 4 stars). 4 submissions from 4 submitters: Benign (2); Likely benign (2). Last evaluated 2026-01-07.

Conditions:
Elliptocytosis 1 (EL1). Also called: 4.1- TRAIT; 4.1-MINUS TRAIT; ELLIPTOCYTOSIS, RHESUS-LINKED TYPE; PROTEIN 4.1 OF ERYTHROCYTE MEMBRANE, DEFECT OF. Identifiers: Orphanet 288, MedGen C2678497, MONDO:0012731, OMIM 611804.

Allele frequency attached by ClinVar (database versions not stated): gnomAD exomes 0.00065 and 0.00178; ExAC 0.00216; gnomAD 0.00679 and 0.00718; ESP Exome Variant Server 0.00761; TOPMed 0.00761; 1000 Genomes Project 0.00919; 1000 Genomes Project 30x 0.00953.

Submissions (4):

Labcorp Genetics (formerly Invitae), Labcorp
Classification: Benign. Last evaluated: 2026-01-07. Review status: criteria provided, single submitter. Criteria: Invitae Variant Classification Sherloc (09022015). Collection method: clinical testing. Allele origin: germline.

Mayo Clinic Laboratories, Mayo Clinic
Classification: Likely benign. Last evaluated: 2025-05-16. Review status: criteria provided, single submitter. Criteria: ACMG Guidelines, 2015. Collection method: clinical testing. Allele origin: germline. Observed: 28 variant alleles.
Comment: BS1, BS2, BP4, BP7

ARUP Laboratories, Molecular Genetics and Genomics, ARUP Laboratories
Classification: Benign for Elliptocytosis 1. Last evaluated: 2025-01-22. Review status: criteria provided, single submitter. Criteria: ARUP Molecular Germline Variant Investigation Process 2024. Collection method: clinical testing. Allele origin: germline.

Breakthrough Genomics
Classification: Likely benign. Review status: criteria provided, single submitter. Criteria: ACMG Guidelines, 2015. Collection method: not provided. Allele origin: germline. Inheritance: Autosomal dominant inheritance. Affected: yes.

NM_001376013.1(EPB41):c.2019G>A (p.Lys673=)

Gene: EPB41 (erythrocyte membrane protein band 4.1; plus strand). Cytogenetic location: 1p35.3.
Variant type: single nucleotide variant.
Coding change: c.2019G>A on transcript NM_001376013.1 (MANE Select); coding-DNA position 2019, G replaced by A.
Protein change: p.Lys673=; no amino-acid change (lysine 673 retained).
Molecular consequence: synonymous variant.
Genome position (GRCh38, 1-based): chr1:29,064,993, G>A. VCF-style: chr1-29064993-G-A. GRCh37 (hg19) VCF-style: chr1-29391505-G-A.
Other names: p.Lys673=; c.2019G>A, p.Lys673= (NM_001166005.2, NM_001376016.1, NM_001376017.1 and 1 more transcripts); c.1977G>A, p.Lys659= (NM_001166006.2); c.1230G>A, p.Lys410= (NM_001166007.2, NM_001376027.1); c.1914G>A, p.Lys638= (NM_001376014.1, NM_001376015.1); c.2016G>A, p.Lys672= (NM_001376018.1, NM_001376020.1); c.1857G>A, p.Lys619= (NM_001376021.1); c.1392G>A, p.Lys464= (NM_001376022.1, NM_001376023.1, NM_001376024.1 and 1 more transcripts); and 6 more.
Identifiers: ClinVar variation 711837 (VCV000711837.21), dbSNP rs79677225, ClinGen allele CA724716.